The following is an entry in ClinVar:

ClinVar aggregate classification (germline): Uncertain significance (1 of 4 stars; one submission).

Conditions:
Hereditary cancer-predisposing syndrome. Also called: Neoplastic Syndromes, Hereditary; Hereditary Cancer Syndrome; Hereditary neoplastic syndrome; Tumor predisposition. Identifiers: Orphanet 140162, MedGen C0027672, MeSH D009386, MONDO:0015356.

Submission:

Ambry Genetics
Classification: Uncertain significance for Hereditary cancer-predisposing syndrome. Last evaluated: 2023-06-06. Review status: criteria provided, single submitter. Criteria: Ambry Variant Classification Scheme 2023. Collection method: clinical testing. Allele origin: germline.
Comment: The c.7470_7478delACAGGATAT variant (also known as p.I2490_D2492del) is located in coding exon 14 of the BRCA2 gene. This variant results from an in-frame ACAGGATAT deletion at nucleotide positions 7470 to 7478. This results in the in-frame deletion of an isoleucine, glutamine, and aspartic acid at codons 2490 to 2492. This amino acid region is generally not well conserved in available vertebrate species. In addition, this alteration is predicted to be deleterious by in silico analysis (Choi Y et al. PLoS ONE. 2012; 7(10):e46688). Since supporting evidence is limited at this time, the clinical significance of this alteration remains unclear.

NM_000059.4(BRCA2):c.7470_7478del (p.Ile2490_Asp2492del)

Gene: BRCA2 (BRCA2 DNA repair associated; plus strand). Cytogenetic location: 13q13.1.
Variant type: Deletion.
Coding change: c.7470_7478del on transcript NM_000059.4 (MANE Select); coding-DNA positions 7470 to 7478, 9 bases deleted (ACAGGATAT; older notation c.7470_7478delACAGGATAT).
Protein change: p.Ile2490_Asp2492del.
Molecular consequence: inframe deletion. On other transcripts: non-coding transcript variant (1).
Genome position (GRCh38, 1-based): chr13:32,356,462-32,356,470, ACAGGATAT deleted; deleting any 9 consecutive bases within chr13:32,356,457-32,356,470 gives the same sequence; the c. name uses the placement nearest the transcript's 3' end. VCF-style (leftmost placement, unchanged base first): chr13-32356456-AGATATACAG-A. GRCh37 (hg19) VCF-style: chr13-32930593-AGATATACAG-A.
Other names: c.7374_7382del, p.Ile2458_Asp2460del (NM_001406719.1); c.7470_7478del, p.Ile2490_Asp2492del (NM_001406720.1); c.2538_2546del, p.Ile846_Asp848del (NM_001406721.1); c.1053_1061del, p.Ile351_Asp353del (NM_001406722.1).
Identifiers: ClinVar variation 2566041 (VCV002566041.2), dbSNP rs2548541366, ClinGen allele CA2580614679.